The following is an entry in ClinVar:

NM_025137.4(SPG11):c.23C>A (p.Ala8Glu)

Gene: SPG11 (SPG11 vesicle trafficking associated, spatacsin; minus strand). Cytogenetic location: 15q21.1.
Variant type: single nucleotide variant.
Coding change: c.23C>A on transcript NM_025137.4 (MANE Select); coding-DNA position 23, C replaced by A.
Protein change: p.Ala8Glu; replaces alanine 8 with glutamic acid.
Molecular consequence: missense variant.
Genome position (GRCh38, 1-based): chr15:44,663,625, G>T on the plus strand (C>A on the coding strand, the complement: SPG11 is on the minus strand). VCF-style: chr15-44663625-G-T. GRCh37 (hg19) VCF-style: chr15-44955823-G-T.
Other names: c.23C>A, p.Ala8Glu (NM_001160227.2); short protein forms A8E.
Identifiers: ClinVar variation 1047193 (VCV001047193.6), dbSNP rs200939573, ClinGen allele CA7535980.

ClinVar aggregate classification (germline): Uncertain significance (1 of 4 stars; one submission).

Conditions:
Hereditary spastic paraplegia 11. Also called: Spastic paraplegia, mental retardation and thin corpus callosum; SPASTIC PARAPLEGIA, AUTOSOMAL RECESSIVE, COMPLICATED, WITH THIN CORPUS CALLOSUM; SPASTIC PARAPLEGIA, AUTOSOMAL RECESSIVE, WITH MENTAL IMPAIRMENT AND THIN CORPUS CALLOSUM; Spastic Paraplegia 11; Nakamura Osame syndrome; Autosomal recessive hereditary spastic paraplegia, mental impairment, and thin corpus callosum. Identifiers: Orphanet 2822, MedGen C1858479, MONDO:0011445, OMIM 604360.

gnomAD v4.1: 5 of 1,595,948 alleles (0.00031%); highest among the groups gnomAD compares: East Asian, 0.011%; no homozygotes.

Submission:

Labcorp Genetics (formerly Invitae), Labcorp
Classification: Uncertain significance for Hereditary spastic paraplegia 11. Last evaluated: 2021-08-28. Review status: criteria provided, single submitter. Criteria: Invitae Variant Classification Sherloc (09022015). Collection method: clinical testing. Allele origin: germline.
Comment: This sequence change replaces alanine with glutamic acid at codon 8 of the SPG11 protein (p.Ala8Glu). The alanine residue is weakly conserved and there is a moderate physicochemical difference between alanine and glutamic acid. This variant is present in population databases (rs200939573, ExAC 0.02%). This variant has not been reported in the literature in individuals affected with SPG11-related conditions. In summary, the available evidence is currently insufficient to determine the role of this variant in disease. Therefore, it has been classified as a Variant of Uncertain Significance.